The following is an entry in ClinVar:

ClinVar aggregate classification (germline): Uncertain significance. Review status: criteria provided, multiple submitters, no conflicts (2 of 4 stars). 2 submissions from 2 submitters: Uncertain significance (2). Last evaluated 2024-03-11.

Conditions:
Cardiovascular phenotype. Identifiers: MedGen CN230736.
Arrhythmogenic cardiomyopathy with wooly hair and keratoderma. Also called: PALMOPLANTAR KERATODERMA WITH LEFT VENTRICULAR CARDIOMYOPATHY AND WOOLLY HAIR; Carvajal syndrome; Dilated cardiomyopathy with woolly hair and keratoderma; Arrhythmogenic cardiomyopathy with woolly hair and keratoderma. Identifiers: Orphanet 65282, MedGen C1854063, MONDO:0011581, OMIM 605676.

Allele frequency attached by ClinVar (database versions not stated): gnomAD exomes below 0.00001.

Submissions (2):

Ambry Genetics
Classification: Uncertain significance for Cardiovascular phenotype. Last evaluated: 2024-03-11. Review status: criteria provided, single submitter. Criteria: Ambry Variant Classification Scheme 2023. Collection method: clinical testing. Allele origin: germline.
Comment: The p.S2562P variant (also known as c.7684T>C), located in coding exon 24 of the DSP gene, results from a T to C substitution at nucleotide position 7684. The serine at codon 2562 is replaced by proline, an amino acid with similar properties. This amino acid position is conserved. In addition, the in silico prediction for this alteration is inconclusive. Based on the available evidence, the clinical significance of this alteration remains unclear.

All of Us Research Program, National Institutes of Health
Classification: Uncertain significance for Arrhythmogenic cardiomyopathy with wooly hair and keratoderma. Last evaluated: 2023-10-02. Review status: criteria provided, single submitter. Criteria: ACMG Guidelines, 2015. Collection method: clinical testing. Allele origin: germline. Inheritance: Autosomal dominant inheritance. Observed: 1 variant allele, 1 heterozygote.
Comment: This missense variant replaces serine with proline at codon 2562 of the DSP protein. Computational prediction suggests that this variant may not impact protein structure and function (internally defined REVEL score threshold <= 0.5, PMID: 27666373). To our knowledge, functional studies have not been reported for this variant. This variant has not been reported in individuals affected with DSP-related disorders in the literature. This variant has not been identified in the general population by the Genome Aggregation Database (gnomAD). The available evidence is insufficient to determine the role of this variant in disease conclusively. Therefore, this variant is classified as a Variant of Uncertain Significance.

This study involves interpretation of variants in research participants for the purpose of population health screening. Participant phenotype was not available at the time of variant classification. Additional details can be found in publication PMID: 35346344, PMCID: PMC8962531

NM_004415.4(DSP):c.7684T>C (p.Ser2562Pro)

Gene: DSP (desmoplakin; plus strand). Cytogenetic location: 6p24.3.
Variant type: single nucleotide variant.
Coding change: c.7684T>C on transcript NM_004415.4 (MANE Select); coding-DNA position 7684, T replaced by C.
Protein change: p.Ser2562Pro; replaces serine 2562 with proline.
Molecular consequence: missense variant.
Genome position (GRCh38, 1-based): chr6:7,584,946, T>C. VCF-style: chr6-7584946-T-C. GRCh37 (hg19) VCF-style: chr6-7585179-T-C.
Other names: c.5887T>C, p.Ser1963Pro (NM_001008844.3); c.6355T>C, p.Ser2119Pro (NM_001319034.2); short protein forms S1963P, S2119P, S2562P.
Identifiers: ClinVar variation 3073624 (VCV003073624.2), dbSNP rs2533947448, ClinGen allele CA362693552.